The following is an entry in ClinVar:

ClinVar aggregate classification (germline): Conflicting classifications of pathogenicity. Review status: criteria provided, conflicting classifications (1 of 4 stars). 7 submissions from 7 submitters: Uncertain significance (5); Likely benign (1). 1 of the submissions does not count toward it. Last evaluated 2025-06-06.

Conditions:
Nemaline myopathy 2 (NEM2). Also called: Nemaline myopathy 2, autosomal recessive. Identifiers: MedGen C1850569, MONDO:0009725, OMIM 256030.
Inborn genetic diseases. Identifiers: MedGen C0950123, MeSH D030342.

Allele frequency attached by ClinVar (database versions not stated): TOPMed 0.00002.
gnomAD v4.1: 128 of 1,613,818 alleles (0.0079%); highest among the groups gnomAD compares: Non-Finnish European, 0.011%; no homozygotes.

Submissions (7):

GeneDx
Classification: Uncertain significance. Last evaluated: 2025-06-06. Review status: criteria provided, single submitter. Criteria: GeneDx Variant Classification Process June 2021. Collection method: clinical testing. Allele origin: germline. Affected: yes.
Comment: Not observed at significant frequency in large population cohorts (gnomAD); In silico analysis supports that this missense variant has a deleterious effect on protein structure/function; Has not been previously published as pathogenic or benign to our knowledge

Revvity Omics, Revvity
Classification: Uncertain significance. Last evaluated: 2025-03-18. Review status: criteria provided, single submitter. Criteria: ACMG Guidelines, 2015. Collection method: clinical testing. Allele origin: germline.

Ambry Genetics
Classification: Uncertain significance for Inborn genetic diseases. Last evaluated: 2025-02-26. Review status: criteria provided, single submitter. Criteria: Ambry Variant Classification Scheme 2023. Collection method: clinical testing. Allele origin: germline.

Labcorp Genetics (formerly Invitae), Labcorp
Classification: Likely benign for Nemaline myopathy 2. Last evaluated: 2024-10-21. Review status: criteria provided, single submitter. Criteria: Invitae Variant Classification Sherloc (09022015). Collection method: clinical testing. Allele origin: germline.

Mayo Clinic Laboratories, Mayo Clinic
Classification: Uncertain significance. Last evaluated: 2022-03-17. Review status: criteria provided, single submitter. Criteria: ACMG Guidelines, 2015. Collection method: clinical testing. Allele origin: germline. Observed: 1 variant allele.
Comment: PM2

Laboratory for Molecular Medicine, Mass General Brigham Personalized Medicine
Classification: Uncertain significance. Last evaluated: 2016-03-28. Review status: criteria provided, single submitter. Criteria: LMM Criteria. Collection method: clinical testing. Allele origin: germline.
Comment: Variant identified in a genome or exome case(s) and assessed due to predicted null impact of the variant or pathogenic assertions in the literature or databases. Disclaimer: This variant has not undergone full assessment. The following are preliminary notes: Not reported.

Natera, Inc.
Classification: Uncertain significance for Nemaline myopathy type 2. Last evaluated: 2019-11-11. Review status: no assertion criteria provided. Collection method: clinical testing. Allele origin: germline. Not counted in ClinVar's aggregate classification.

NM_001164508.2(NEB):c.11755G>T (p.Asp3919Tyr)

Gene: NEB (nebulin; minus strand). Cytogenetic location: 2q23.3.
Variant type: single nucleotide variant.
Coding change: c.11755G>T on transcript NM_001164508.2 (MANE Select); coding-DNA position 11755, G replaced by T.
Protein change: p.Asp3919Tyr; replaces aspartic acid 3919 with tyrosine.
Molecular consequence: missense variant.
Genome position (GRCh38, 1-based): chr2:151,612,236, C>A on the plus strand (G>T on the coding strand, the complement: NEB is on the minus strand). VCF-style: chr2-151612236-C-A. GRCh37 (hg19) VCF-style: chr2-152468750-C-A.
Other names: p.Asp3676Tyr; c.11755G>T, p.Asp3919Tyr (NM_001164507.2, NM_001271208.2); c.11026G>T, p.Asp3676Tyr (NM_004543.5); c.11026G>T (NM_004543.4); short protein forms D3919Y, D3676Y.
Identifiers: ClinVar variation 403224 (VCV000403224.16), dbSNP rs201483656, ClinGen allele CA1908685.